The following is an entry in ClinVar:

ClinVar aggregate classification (germline): Uncertain significance. Review status: criteria provided, multiple submitters, no conflicts (2 of 4 stars). 3 submissions from 3 submitters: Uncertain significance (3). Last evaluated 2025-12-23.

Conditions:
Deficiency of UDPglucose-hexose-1-phosphate uridylyltransferase. Also called: Transferase Deficiency Galactosemia; GALACTOSE-1-PHOSPHATE URIDYLYLTRANSFERASE DEFICIENCY; GALACTOSEMIA I; GALT deficiency; Galactosemia, classic. Identifiers: Orphanet 352, Orphanet 79239, MedGen C0268151, MONDO:0009258, OMIM 230400.
Inborn genetic diseases. Identifiers: MedGen C0950123, MeSH D030342.

Submissions (3):

Women's Health and Genetics/Laboratory Corporation of America, LabCorp
Classification: Uncertain significance. Last evaluated: 2025-12-23. Review status: criteria provided, single submitter. Criteria: LabCorp Variant Classification Summary - May 2015. Collection method: clinical testing. Allele origin: germline.
Comment: Variant summary: GALT c.784C>T (p.Arg262Trp) results in a non-conservative amino acid change in the encoded protein sequence. Algorithms developed to predict the effect of missense changes on protein structure and function are either unavailable or do not agree on the potential impact of this missense change. The variant allele was found at a frequency of 8e-06 in 250708 control chromosomes. The available data on variant occurrences in the general population are insufficient to allow any conclusion about variant significance. To our knowledge, no occurrence of c.784C>T in individuals affected with GALT-related conditions and no experimental evidence demonstrating its impact on protein function have been reported. ClinVar contains an entry for this variant (Variation ID: 3518687). Based on the evidence outlined above, the variant was classified as uncertain significance.

Labcorp Genetics (formerly Invitae), Labcorp
Classification: Uncertain significance for Deficiency of UDPglucose-hexose-1-phosphate uridylyltransferase. Last evaluated: 2025-05-28. Review status: criteria provided, single submitter. Criteria: Invitae Variant Classification Sherloc (09022015). Collection method: clinical testing. Allele origin: germline.
Comment: This sequence change replaces arginine, which is basic and polar, with tryptophan, which is neutral and slightly polar, at codon 262 of the GALT protein (p.Arg262Trp). The frequency data for this variant in the population databases is considered unreliable, as metrics indicate poor data quality at this position in the gnomAD database. This variant has not been reported in the literature in individuals affected with GALT-related conditions. ClinVar contains an entry for this variant (Variation ID: 3518687). Invitae Evidence Modeling of protein sequence and biophysical properties (such as structural, functional, and spatial information, amino acid conservation, physicochemical variation, residue mobility, and thermodynamic stability) indicates that this missense variant is expected to disrupt GALT protein function with a positive predictive value of 95%. In summary, the available evidence is currently insufficient to determine the role of this variant in disease. Therefore, it has been classified as a Variant of Uncertain Significance.

Ambry Genetics
Classification: Uncertain significance for Inborn genetic diseases. Last evaluated: 2024-10-04. Review status: criteria provided, single submitter. Criteria: Ambry Variant Classification Scheme 2023. Collection method: clinical testing. Allele origin: germline.

NM_000155.4(GALT):c.784C>T (p.Arg262Trp)

Gene: GALT (galactose-1-phosphate uridylyltransferase; plus strand). Cytogenetic location: 9p13.3.
Variant type: single nucleotide variant.
Coding change: c.784C>T on transcript NM_000155.4 (MANE Select); coding-DNA position 784, C replaced by T.
Protein change: p.Arg262Trp; replaces arginine 262 with tryptophan.
Molecular consequence: missense variant.
Genome position (GRCh38, 1-based): chr9:34,648,858, C>T. VCF-style: chr9-34648858-C-T. GRCh37 (hg19) VCF-style: chr9-34648855-C-T.
Other names: c.457C>T, p.Arg153Trp (NM_001258332.2); short protein forms R262W, R153W.
Identifiers: ClinVar variation 3518687 (VCV003518687.4).